The following is an entry in ClinVar:

NM_001846.4(COL4A2):c.3205C>T (p.Arg1069Trp)

Gene: COL4A2 (collagen type IV alpha 2 chain; plus strand). Cytogenetic location: 13q34.
Variant type: single nucleotide variant.
Coding change: c.3205C>T on transcript NM_001846.4 (MANE Select); coding-DNA position 3205, C replaced by T.
Protein change: p.Arg1069Trp; replaces arginine 1069 with tryptophan.
Molecular consequence: missense variant.
Genome position (GRCh38, 1-based): chr13:110,485,834, C>T. VCF-style: chr13-110485834-C-T. GRCh37 (hg19) VCF-style: chr13-111138181-C-T.
Other names: short protein forms R1069W.
Identifiers: ClinVar variation 882816 (VCV000882816.8), dbSNP rs200165414, ClinGen allele CA7050106.

ClinVar aggregate classification (germline): Uncertain significance. Review status: criteria provided, multiple submitters, no conflicts (2 of 4 stars). 3 submissions from 3 submitters: Uncertain significance (3). Last evaluated 2024-08-05.

Conditions:
Brain small vessel disease 2A, autosomal dominant. Also called: Porencephaly 2. Identifiers: Orphanet 2940, Orphanet 99810, MedGen C3280970, MONDO:0013773, OMIM 614483.
Inborn genetic diseases. Identifiers: MedGen C0950123, MeSH D030342.

Allele frequency attached by ClinVar (database versions not stated): gnomAD 0.00001; gnomAD exomes 0.00001; ExAC 0.00003; ESP Exome Variant Server 0.00008.
gnomAD v4.1: 13 of 1,613,236 alleles (0.00081%); highest among the groups gnomAD compares: Admixed American, 0.0017%; no homozygotes.

Submissions (3):

Ambry Genetics
Classification: Uncertain significance for Inborn genetic diseases. Last evaluated: 2024-08-05. Review status: criteria provided, single submitter. Criteria: Ambry Variant Classification Scheme 2023. Collection method: clinical testing. Allele origin: germline.

Labcorp Genetics (formerly Invitae), Labcorp
Classification: Uncertain significance. Last evaluated: 2022-12-13. Review status: criteria provided, single submitter. Criteria: Invitae Variant Classification Sherloc (09022015). Collection method: clinical testing. Allele origin: germline.
Comment: This sequence change replaces arginine, which is basic and polar, with tryptophan, which is neutral and slightly polar, at codon 1069 of the COL4A2 protein (p.Arg1069Trp). This variant is present in population databases (rs200165414, gnomAD 0.007%). This variant has not been reported in the literature in individuals affected with COL4A2-related conditions. ClinVar contains an entry for this variant (Variation ID: 882816). Algorithms developed to predict the effect of missense changes on protein structure and function are either unavailable or do not agree on the potential impact of this missense change (SIFT: "Not Available"; PolyPhen-2: "Possibly Damaging"; Align-GVGD: "Not Available"). In summary, the available evidence is currently insufficient to determine the role of this variant in disease. Therefore, it has been classified as a Variant of Uncertain Significance.

Illumina Laboratory Services, Illumina
Classification: Uncertain significance for Brain small vessel disease 2A, autosomal dominant. Last evaluated: 2018-01-13. Review status: criteria provided, single submitter. Criteria: ICSL Variant Classification Criteria 13 December 2019. Collection method: clinical testing. Allele origin: germline.